The following is an entry in ClinVar:

NM_000094.4(COL7A1):c.5938C>T (p.Pro1980Ser)

Gene: COL7A1 (collagen type VII alpha 1 chain; minus strand). Cytogenetic location: 3p21.31.
Variant type: single nucleotide variant.
Coding change: c.5938C>T on transcript NM_000094.4 (MANE Select); coding-DNA position 5938, C replaced by T.
Protein change: p.Pro1980Ser; replaces proline 1980 with serine.
Molecular consequence: missense variant.
Genome position (GRCh38, 1-based): chr3:48,575,667, G>A on the plus strand (C>T on the coding strand, the complement: COL7A1 is on the minus strand). VCF-style: chr3-48575667-G-A. GRCh37 (hg19) VCF-style: chr3-48613100-G-A.
Other names: short protein forms P1980S.
Identifiers: ClinVar variation 2428056 (VCV002428056.6), dbSNP rs2530978502, ClinGen allele CA352664904.

ClinVar aggregate classification (germline): Uncertain significance (1 of 4 stars; one submission).

Submission:

Labcorp Genetics (formerly Invitae), Labcorp
Classification: Uncertain significance. Last evaluated: 2021-12-02. Review status: criteria provided, single submitter. Criteria: Invitae Variant Classification Sherloc (09022015). Collection method: clinical testing. Allele origin: germline.
Comment: This sequence change replaces proline, which is neutral and non-polar, with serine, which is neutral and polar, at codon 1980 of the COL7A1 protein (p.Pro1980Ser). This variant is not present in population databases (gnomAD no frequency). This variant has not been reported in the literature in individuals affected with COL7A1-related conditions. Advanced modeling of protein sequence and biophysical properties (such as structural, functional, and spatial information, amino acid conservation, physicochemical variation, residue mobility, and thermodynamic stability) performed at Invitae indicates that this missense variant is not expected to disrupt COL7A1 protein function. In summary, the available evidence is currently insufficient to determine the role of this variant in disease. Therefore, it has been classified as a Variant of Uncertain Significance.